The following is an entry in ClinVar:

NM_001366385.1(CARD14):c.203T>C (p.Met68Thr)

Gene: CARD14 (caspase recruitment domain family member 14; plus strand). Cytogenetic location: 17q25.3.
Variant type: single nucleotide variant.
Coding change: c.203T>C on transcript NM_001366385.1 (MANE Select); coding-DNA position 203, T replaced by C.
Protein change: p.Met68Thr; replaces methionine 68 with threonine.
Molecular consequence: missense variant. On other transcripts: non-coding transcript variant (1).
Genome position (GRCh38, 1-based): chr17:80,181,641, T>C. VCF-style: chr17-80181641-T-C. GRCh37 (hg19) VCF-style: chr17-78155440-T-C.
Other names: c.203T>C, p.Met68Thr (NM_024110.4, NM_001257970.1); c.203T>C (NM_024110.3); short protein forms M68T.
Identifiers: ClinVar variation 458092 (VCV000458092.16), dbSNP rs773633754, ClinGen allele CA294855893.
Genomic context (GRCh38, chr17:80,181,641, plus strand): 5'-TGCTGTGCCAGCTGGACGAGGAGGAGGTGCTGCACAGCCCCCGGCTCACCAACAGCGCCA[T>C]GCGGGCCGGTGAGCGCAGCTCCCTCTTCCCCACCTCTTCCAGCTTCCCGTGGCCCACATG-3'
Protein context (NP_001353314.1, residues 58-78): LHSPRLTNSA[Met68Thr]RAGHLLDLLK

ClinVar aggregate classification (germline): Conflicting classifications of pathogenicity. Review status: criteria provided, conflicting classifications (1 of 4 stars). 4 submissions from 4 submitters: Uncertain significance (3); Likely benign (1). Last evaluated 2026-01-11.

Conditions:
Autoinflammatory syndrome. Identifiers: Orphanet 93665, MedGen C3890737, MONDO:0019751.
Inborn genetic diseases. Identifiers: MedGen C0950123, MeSH D030342.
Psoriasis 2. Identifiers: MedGen C1864497, MONDO:0011269, OMIM 602723.
Pityriasis rubra pilaris (PRP). Also called: Pityriasis rubra pilaris--familial type. Identifiers: Orphanet 2897, MedGen C0032027, MONDO:0100017, OMIM 173200, MONDO:0008251.

Allele frequency attached by ClinVar (database versions not stated): gnomAD 0.00003 and 0.00004; TOPMed 0.00004; gnomAD exomes 0.00006 and 0.00013.

Submissions (4):

Labcorp Genetics (formerly Invitae), Labcorp
Classification: Uncertain significance for Pityriasis rubra pilaris; Psoriasis 2. Last evaluated: 2026-01-11. Review status: criteria provided, single submitter. Criteria: Invitae Variant Classification Sherloc (09022015). Collection method: clinical testing. Allele origin: germline.
Comment: This sequence change replaces methionine, which is neutral and non-polar, with threonine, which is neutral and polar, at codon 68 of the CARD14 protein (p.Met68Thr). This variant is present in population databases (rs773633754, gnomAD 0.02%). This variant has not been reported in the literature in individuals affected with CARD14-related conditions. ClinVar contains an entry for this variant (Variation ID: 458092). Invitae Evidence Modeling of protein sequence and biophysical properties (such as structural, functional, and spatial information, amino acid conservation, physicochemical variation, residue mobility, and thermodynamic stability) has been performed for this missense variant. However, the output from this modeling did not meet the statistical confidence thresholds required to predict the impact of this variant on CARD14 protein function. In summary, the available evidence is currently insufficient to determine the role of this variant in disease. Therefore, it has been classified as a Variant of Uncertain Significance.

Ambry Genetics
Classification: Uncertain significance for Inborn genetic diseases. Last evaluated: 2025-08-12. Review status: criteria provided, single submitter. Criteria: Ambry Variant Classification Scheme 2023. Collection method: clinical testing. Allele origin: germline.

Blueprint Genetics
Classification: Likely benign. Last evaluated: 2022-09-23. Review status: criteria provided, single submitter. Criteria: ACMG Guidelines, 2015. Collection method: clinical testing. Allele origin: germline.

Genome Diagnostics Laboratory, The Hospital for Sick Children
Classification: Uncertain significance for Autoinflammatory syndrome. Last evaluated: 2016-12-12. Review status: criteria provided, single submitter. Criteria: ACMG Guidelines, 2015. Collection method: clinical testing. Allele origin: germline. Affected: yes.